The following is an entry in ClinVar:

ClinVar aggregate classification (germline): Uncertain significance (1 of 4 stars; one submission).

Conditions:
Primary ciliary dyskinesia. Also called: Ciliary dyskinesia. Identifiers: Orphanet 244, MedGen C0008780, MONDO:0016575, HP:0012265.

gnomAD v4.1: 3 of 1,473,608 alleles (0.0002%); highest among the groups gnomAD compares: African/African-American, 0.0015%; no homozygotes.

Submission:

Labcorp Genetics (formerly Invitae), Labcorp
Classification: Uncertain significance for Primary ciliary dyskinesia. Last evaluated: 2025-10-26. Review status: criteria provided, single submitter. Criteria: Invitae Variant Classification Sherloc (09022015). Collection method: clinical testing. Allele origin: germline.
Comment: This sequence change replaces valine, which is neutral and non-polar, with isoleucine, which is neutral and non-polar, at codon 506 of the DNAH8 protein (p.Val506Ile). The frequency data for this variant in the population databases is considered unreliable, as metrics indicate poor data quality at this position in the gnomAD database. This variant has not been reported in the literature in individuals affected with DNAH8-related conditions. Experimental studies and prediction algorithms are not available or were not evaluated, and the functional significance of this variant is currently unknown. In summary, the available evidence is currently insufficient to determine the role of this variant in disease. Therefore, it has been classified as a Variant of Uncertain Significance.

NM_001206927.2(DNAH8):c.1516G>A (p.Val506Ile)

Gene: DNAH8 (dynein axonemal heavy chain 8; plus strand). Cytogenetic location: 6p21.2.
Variant type: single nucleotide variant.
Coding change: c.1516G>A on transcript NM_001206927.2 (MANE Select); coding-DNA position 1516, G replaced by A.
Protein change: p.Val506Ile; replaces valine 506 with isoleucine.
Molecular consequence: missense variant.
Genome position (GRCh38, 1-based): chr6:38,761,702, G>A. VCF-style: chr6-38761702-G-A. GRCh37 (hg19) VCF-style: chr6-38729478-G-A.
Other names: c.865G>A, p.Val289Ile (NM_001371.4); short protein forms V289I, V506I.
Identifiers: ClinVar variation 4743709 (VCV004743709.1).
Genomic context (GRCh38, chr6:38,761,702, plus strand): 5'-TATATATAAATGTTATTTCTCTTTTTACATATAATTATTTTGTACCTATATTTATTTCAG[G>A]TAACAAATCAAATGGTAACAGCATGTAAAGCATATATTACTGATGGAGGATTAAACCATG-3'
Protein context (NP_001193856.1, residues 496-516): SERMTSLFIK[Val506Ile]TNQMVTACKA